The following is an entry in ClinVar:

ClinVar aggregate classification (germline): Uncertain significance (1 of 4 stars; one submission).

Submission:

Ambry Genetics
Classification: Uncertain significance. Last evaluated: 2025-03-20. Review status: criteria provided, single submitter. Criteria: Ambry Variant Classification Scheme 2023. Collection method: clinical testing. Allele origin: germline.
Comment: The p.A1824T variant (also known as c.5470G>A), located in coding exon 22 of the WNK2 gene, results from a G to A substitution at nucleotide position 5470. The alanine at codon 1824 is replaced by threonine, an amino acid with similar properties. This amino acid position is conserved. In addition, this alteration is predicted to be tolerated by in silico analysis. Based on the available evidence, the clinical significance of this variant remains unclear.

NM_006648.4(WNK2):c.5470G>A (p.Ala1824Thr)

Gene: WNK2 (WNK lysine deficient protein kinase 2; plus strand). Cytogenetic location: 9q22.31.
Variant type: single nucleotide variant.
Coding change: c.5470G>A on transcript NM_006648.4 (MANE Select); coding-DNA position 5470, G replaced by A.
Protein change: p.Ala1824Thr; replaces alanine 1824 with threonine.
Molecular consequence: missense variant.
Genome position (GRCh38, 1-based): chr9:93,292,935, G>A. VCF-style: chr9-93292935-G-A. GRCh37 (hg19) VCF-style: chr9-96055217-G-A.
Other names: c.5581G>A, p.Ala1861Thr (NM_001282394.3); short protein forms A1861T, A1824T.
Identifiers: ClinVar variation 3981681 (VCV003981681.1).